The following is an entry in ClinVar:

NM_004407.4(DMP1):c.447G>C (p.Glu149Asp)

Genes: DMP1 (dentin matrix acidic phosphoprotein 1; plus strand), DMP1-AS1 (DMP1 and DSPP antisense RNA 1; minus strand). Cytogenetic location: 4q22.1.
Variant type: single nucleotide variant.
Coding change: c.447G>C on transcript NM_004407.4 (MANE Select); coding-DNA position 447, G replaced by C.
Protein change: p.Glu149Asp; replaces glutamic acid 149 with aspartic acid.
Molecular consequence: missense variant.
Genome position (GRCh38, 1-based): chr4:87,662,225, G>C. VCF-style: chr4-87662225-G-C. GRCh37 (hg19) VCF-style: chr4-88583377-G-C.
Other names: c.399G>C, p.Glu133Asp (NM_001079911.3); short protein forms E149D, E133D.
Identifiers: ClinVar variation 960426 (VCV000960426.9), dbSNP rs1728918632, ClinGen allele CA357698974.

ClinVar aggregate classification (germline): Uncertain significance (1 of 4 stars; one submission).

Submission:

Labcorp Genetics (formerly Invitae), Labcorp
Classification: Uncertain significance. Last evaluated: 2019-07-29. Review status: criteria provided, single submitter. Criteria: Invitae Variant Classification Sherloc (09022015). Collection method: clinical testing. Allele origin: germline.
Comment: In summary, the available evidence is currently insufficient to determine the role of this variant in disease. Therefore, it has been classified as a Variant of Uncertain Significance. This sequence change replaces glutamic acid with aspartic acid at codon 149 of the DMP1 protein (p.Glu149Asp). The glutamic acid residue is weakly conserved and there is a small physicochemical difference between glutamic acid and aspartic acid. This variant is not present in population databases (ExAC no frequency). This variant has not been reported in the literature in individuals with DMP1-related conditions. Algorithms developed to predict the effect of missense changes on protein structure and function output the following: SIFT: "Tolerated"; PolyPhen-2: "Benign"; Align-GVGD: "Class C0". The aspartic acid amino acid residue is found in multiple mammalian species, suggesting that this missense change does not adversely affect protein function. These predictions have not been confirmed by published functional studies and their clinical significance is uncertain.